The following is an entry in ClinVar:

NM_000368.5(TSC1):c.1029+34C>G

Gene: TSC1 (TSC complex subunit 1; minus strand). Cytogenetic location: 9q34.13.
Variant type: single nucleotide variant.
Coding change: c.1029+34C>G on transcript NM_000368.5 (MANE Select); 34 bases into the intron after coding-DNA position 1029, C replaced by G.
Molecular consequence: intron variant.
Genome position (GRCh38, 1-based): chr9:132,911,419, G>C on the plus strand (C>G on the coding strand, the complement: TSC1 is on the minus strand). VCF-style: chr9-132911419-G-C. GRCh37 (hg19) VCF-style: chr9-135786806-G-C.
Other names: c.666+34C>G (NM_001362177.2); c.876+34C>G (NM_001162427.2); c.1029+34C>G (NM_001162426.2).
Identifiers: ClinVar variation 133421 (VCV000133421.1), dbSNP rs587778002, ClinGen allele CA004318.

ClinVar aggregate classification (germline): not provided (0 of 4 stars; one submission).

Allele frequency attached by ClinVar (database versions not stated): gnomAD exomes below 0.00001 and 0.00001; gnomAD 0.00001; TOPMed 0.00001.
gnomAD v4.1: 14 of 1,508,122 alleles (0.00093%); highest among the groups gnomAD compares: Middle Eastern, 0.017%; no homozygotes.

Submission:

ITMI
No classification provided. Condition: AllHighlyPenetrant. Last evaluated: 2013-09-19. Review status: no classification provided. Collection method: reference population. Allele origin: germline.
Comment: Please see associated publication for description of ethnicities

Literature cited by the submitters: PubMed 24728327.